The following is an entry in ClinVar:

ClinVar aggregate classification (germline): Uncertain significance (1 of 4 stars; one submission).

Submission:

Labcorp Genetics (formerly Invitae), Labcorp
Classification: Uncertain significance. Last evaluated: 2021-06-19. Review status: criteria provided, single submitter. Criteria: Invitae Variant Classification Sherloc (09022015). Collection method: clinical testing. Allele origin: germline.
Comment: This variant has not been reported in the literature in individuals with LIG1-related conditions. This variant is not present in population databases (ExAC no frequency). This sequence change replaces cysteine with tyrosine at codon 656 of the LIG1 protein (p.Cys656Tyr). The cysteine residue is highly conserved and there is a large physicochemical difference between cysteine and tyrosine. Algorithms developed to predict the effect of missense changes on protein structure and function are either unavailable or do not agree on the potential impact of this missense change (SIFT: "Deleterious"; PolyPhen-2: "Probably Damaging"; Align-GVGD: "Class C0"). In summary, the available evidence is currently insufficient to determine the role of this variant in disease. Therefore, it has been classified as a Variant of Uncertain Significance.

NM_000234.3(LIG1):c.1967G>A (p.Cys656Tyr)

Gene: LIG1 (DNA ligase 1; minus strand). Cytogenetic location: 19q13.33.
Variant type: single nucleotide variant.
Coding change: c.1967G>A on transcript NM_000234.3 (MANE Select); coding-DNA position 1967, G replaced by A.
Protein change: p.Cys656Tyr; replaces cysteine 656 with tyrosine.
Molecular consequence: missense variant. On other transcripts: non-coding transcript variant (6).
Genome position (GRCh38, 1-based): chr19:48,127,314, C>T on the plus strand (G>A on the coding strand, the complement: LIG1 is on the minus strand). VCF-style: chr19-48127314-C-T. GRCh37 (hg19) VCF-style: chr19-48630571-C-T.
Other names: c.1874G>A, p.Cys625Tyr (NM_001289063.2); c.1763G>A, p.Cys588Tyr (NM_001289064.2); c.1964G>A, p.Cys655Tyr (NM_001320970.2); c.1877G>A, p.Cys626Tyr (NM_001320971.2); short protein forms C626Y, C588Y, C625Y, C655Y, C656Y.
Identifiers: ClinVar variation 1362619 (VCV001362619.8), dbSNP rs2122473168, ClinGen allele CA406644950.
Genomic context (GRCh38, chr19:48,127,314, plus strand): 5'-CTGGACAGGAAGCTGGAACTCACCTCTCCATTGAGGTAGATGAGGTCGAAGGCGTACAAA[C>T]ACACCTGCACCTGGATCTCAGACGCATCCACCTCCTGGGTTGGGGCACAACGGAGTTCGT-3'
Protein context (NP_000225.1, residues 646-666): VDASEIQVQV[Cys656Tyr]LYAFDLIYLN